The following is an entry in ClinVar:

NM_014339.7(IL17RA):c.1137G>A (p.Lys379=)

Gene: IL17RA (interleukin 17 receptor A; plus strand). Cytogenetic location: 22q11.1.
Variant type: single nucleotide variant.
Coding change: c.1137G>A on transcript NM_014339.7 (MANE Select); coding-DNA position 1137, G replaced by A.
Protein change: p.Lys379=; no amino-acid change (lysine 379 retained).
Molecular consequence: synonymous variant.
Genome position (GRCh38, 1-based): chr22:17,108,356, G>A. VCF-style: chr22-17108356-G-A. GRCh37 (hg19) VCF-style: chr22-17589246-G-A.
Other names: p.Lys379=; c.1035G>A, p.Lys345= (NM_001289905.2).
Identifiers: ClinVar variation 340592 (VCV000340592.17), dbSNP rs879576, ClinGen allele CA10086682.

ClinVar aggregate classification (germline): Benign. Review status: criteria provided, multiple submitters, no conflicts (2 of 4 stars). 4 submissions from 4 submitters: Benign (4). Last evaluated 2026-02-04.

Conditions:
Immunodeficiency 51 (IMD51). Also called: CANDIDIASIS, FAMILIAL, 5. Identifiers: Orphanet 1334, MedGen C4310803, MONDO:0013500, OMIM 613953.

Allele frequency attached by ClinVar (database versions not stated): gnomAD exomes 0.11364; ExAC 0.11533; 1000 Genomes Project 0.12141; 1000 Genomes Project 30x 0.12445; TOPMed 0.14287; gnomAD 0.14613 and 0.15008; ESP Exome Variant Server 0.15870.
gnomAD v4.1: 191,816 of 1,613,960 alleles (12%); highest among the groups gnomAD compares: Middle Eastern, 23%; 12,799 homozygotes.

Submissions (4):

Labcorp Genetics (formerly Invitae), Labcorp
Classification: Benign for Immunodeficiency 51. Last evaluated: 2026-02-04. Review status: criteria provided, single submitter. Criteria: Invitae Variant Classification Sherloc (09022015). Collection method: clinical testing. Allele origin: germline.

Unidad de Genómica Garrahan, Hospital de Pediatría Garrahan
Classification: Benign. Last evaluated: 2024-01-24. Review status: criteria provided, single submitter. Criteria: ACMG Guidelines, 2015. Collection method: clinical testing. Allele origin: germline. Affected: no. Observed: 25 variant alleles.
Comment: This variant is classified as Benign based on local population frequency. This variant was detected in 26% of patients studied by a panel of primary immunodeficiencies. Number of patients: 25. Only high quality variants are reported.

Mayo Clinic Laboratories, Mayo Clinic
Classification: Benign. Last evaluated: 2022-09-06. Review status: criteria provided, single submitter. Criteria: ACMG Guidelines, 2015. Collection method: clinical testing. Allele origin: germline. Observed: 29 variant alleles.

Breakthrough Genomics
Classification: Benign. Review status: criteria provided, single submitter. Criteria: ACMG Guidelines, 2015. Collection method: not provided. Allele origin: germline. Inheritance: Autosomal recessive inheritance. Affected: yes.